The following is an entry in ClinVar:

NM_000531.6(OTC):c.77+9T>A

Gene: OTC (ornithine transcarbamylase; plus strand). Cytogenetic location: Xp11.4.
Variant type: single nucleotide variant.
Coding change: c.77+9T>A on transcript NM_000531.6 (MANE Select); 9 bases into the intron after coding-DNA position 77, T replaced by A.
Molecular consequence: intron variant.
Genome position (GRCh38, 1-based): chrX:38,352,782, T>A. VCF-style: chrX-38352782-T-A. GRCh37 (hg19) VCF-style: chrX-38212035-T-A.
Identifiers: ClinVar variation 510531 (VCV000510531.1), dbSNP rs1555971033, ClinGen allele CA658799693.

ClinVar aggregate classification (germline): Likely benign (1 of 4 stars; one submission).

Submission:

GeneDx
Classification: Likely benign. Last evaluated: 2017-06-21. Review status: criteria provided, single submitter. Criteria: GeneDx Variant Classification (06012015). Collection method: clinical testing. Allele origin: germline. Affected: yes.
Comment: This variant is considered likely benign or benign based on one or more of the following criteria: it is a conservative change, it occurs at a poorly conserved position in the protein, it is predicted to be benign by multiple in silico algorithms, and/or has population frequency not consistent with disease.